The following is an entry in ClinVar:

ClinVar aggregate classification (germline): Uncertain significance. Review status: criteria provided, multiple submitters, no conflicts (2 of 4 stars). 2 submissions from 2 submitters: Uncertain significance (2). Last evaluated 2026-02-01.

Allele frequency attached by ClinVar (database versions not stated): gnomAD exomes below 0.00001; gnomAD 0.00001; ExAC 0.00002; TOPMed 0.00002; ESP Exome Variant Server 0.00008.
gnomAD v4.1: 6 of 1,591,252 alleles (0.00038%); highest among the groups gnomAD compares: Non-Finnish European, 0.00052%; no homozygotes.

Submissions (2):

CeGaT Center for Human Genetics Tuebingen
Classification: Uncertain significance. Last evaluated: 2026-02-01. Review status: criteria provided, single submitter. Criteria: CeGaT Center For Human Genetics Tuebingen Variant Classification Criteria Version 2. Collection method: clinical testing. Allele origin: germline. Affected: yes. Observed: 1 variant allele.
Comment: ASAH1: PM2

Labcorp Genetics (formerly Invitae), Labcorp
Classification: Uncertain significance. Last evaluated: 2022-08-31. Review status: criteria provided, single submitter. Criteria: Invitae Variant Classification Sherloc (09022015). Collection method: clinical testing. Allele origin: germline.
Comment: This sequence change replaces valine, which is neutral and non-polar, with leucine, which is neutral and non-polar, at codon 88 of the ASAH1 protein (p.Val88Leu). This variant is present in population databases (rs368365768, gnomAD 0.002%). This variant has not been reported in the literature in individuals affected with ASAH1-related conditions. ClinVar contains an entry for this variant (Variation ID: 1443941). Algorithms developed to predict the effect of missense changes on protein structure and function (SIFT, PolyPhen-2, Align-GVGD) all suggest that this variant is likely to be tolerated. In summary, the available evidence is currently insufficient to determine the role of this variant in disease. Therefore, it has been classified as a Variant of Uncertain Significance.

NM_177924.5(ASAH1):c.262G>T (p.Val88Leu)

Gene: ASAH1 (N-acylsphingosine amidohydrolase 1; minus strand). Cytogenetic location: 8p22.
Variant type: single nucleotide variant.
Coding change: c.262G>T on transcript NM_177924.5 (MANE Select); coding-DNA position 262, G replaced by T.
Protein change: p.Val88Leu; replaces valine 88 with leucine.
Molecular consequence: missense variant. On other transcripts: intron variant (1).
Genome position (GRCh38, 1-based): chr8:18,069,833, C>A on the plus strand (G>T on the coding strand, the complement: ASAH1 is on the minus strand). VCF-style: chr8-18069833-C-A. GRCh37 (hg19) VCF-style: chr8-17927342-C-A.
Other names: c.67G>T, p.Val23Leu (NM_001363743.2); c.310G>T, p.Val104Leu (NM_004315.6); c.285+1467G>T (NM_001127505.3); short protein forms V23L, V88L, V104L.
Identifiers: ClinVar variation 1443941 (VCV001443941.9), dbSNP rs368365768, ClinGen allele CA4650945.
Genomic context (GRCh38, chr8:18,069,833, plus strand): 5'-GAGAAATAATATCTCTTACCAATTTTTCATCCACCACCTGCATAATTTTTCCACTTGGCA[C>A]GAATGTATTTATCATATTCTTCAGAGAATTCACTATAACCTTTAGCTGAAAAATAAATAA-3'
Protein context (NP_808592.2, residues 78-98): NSLKNMINTF[Val88Leu]PSGKIMQVVD